The following is an entry in ClinVar:

ClinVar aggregate classification (germline): Uncertain significance (1 of 4 stars; one submission).

Allele frequency attached by ClinVar (database versions not stated): gnomAD exomes below 0.00001.
gnomAD v4.1: 1 of 1,614,144 alleles (0.000062%); highest among the groups gnomAD compares: Non-Finnish European, 0.000085%; no homozygotes.

Submission:

Labcorp Genetics (formerly Invitae), Labcorp
Classification: Uncertain significance. Last evaluated: 2025-01-16. Review status: criteria provided, single submitter. Criteria: Invitae Variant Classification Sherloc (09022015). Collection method: clinical testing. Allele origin: germline.
Comment: This sequence change replaces threonine, which is neutral and polar, with isoleucine, which is neutral and non-polar, at codon 516 of the PLXNA2 protein (p.Thr516Ile). This variant is not present in population databases (gnomAD no frequency). This variant has not been reported in the literature in individuals affected with PLXNA2-related conditions. ClinVar contains an entry for this variant (Variation ID: 2775593). Invitae Evidence Modeling of protein sequence and biophysical properties (such as structural, functional, and spatial information, amino acid conservation, physicochemical variation, residue mobility, and thermodynamic stability) indicates that this missense variant is not expected to disrupt PLXNA2 protein function with a negative predictive value of 80%. In summary, the available evidence is currently insufficient to determine the role of this variant in disease. Therefore, it has been classified as a Variant of Uncertain Significance.

NM_025179.4(PLXNA2):c.1547C>T (p.Thr516Ile)

Gene: PLXNA2 (plexin A2; minus strand). Cytogenetic location: 1q32.2.
Variant type: single nucleotide variant.
Coding change: c.1547C>T on transcript NM_025179.4 (MANE Select); coding-DNA position 1547, C replaced by T.
Protein change: p.Thr516Ile; replaces threonine 516 with isoleucine.
Molecular consequence: missense variant.
Genome position (GRCh38, 1-based): chr1:208,103,207, G>A on the plus strand (C>T on the coding strand, the complement: PLXNA2 is on the minus strand). VCF-style: chr1-208103207-G-A. GRCh37 (hg19) VCF-style: chr1-208276552-G-A.
Other names: short protein forms T516I.
Identifiers: ClinVar variation 2775593 (VCV002775593.3), dbSNP rs1667151960, ClinGen allele CA344559036.